The following is an entry in ClinVar:

ClinVar aggregate classification (germline): Uncertain significance (1 of 4 stars; one submission).

Conditions:
Hereditary cancer-predisposing syndrome. Also called: Neoplastic Syndromes, Hereditary; Tumor predisposition; Hereditary Cancer Syndrome; Hereditary neoplastic syndrome. Identifiers: Orphanet 140162, MedGen C0027672, MeSH D009386, MONDO:0015356.

gnomAD v4.1: 6 of 1,614,168 alleles (0.00037%); highest among the groups gnomAD compares: Non-Finnish European, 0.00042%; no homozygotes.

Submission:

Ambry Genetics
Classification: Uncertain significance for Hereditary cancer-predisposing syndrome. Last evaluated: 2025-06-27. Review status: criteria provided, single submitter. Criteria: Ambry Variant Classification Scheme 2023. Collection method: clinical testing. Allele origin: germline.
Comment: The p.L1570V variant (also known as c.4708C>G), located in coding exon 14 of the BRCA1 gene, results from a C to G substitution at nucleotide position 4708. The leucine at codon 1570 is replaced by valine, an amino acid with highly similar properties. This amino acid position is highly conserved in available vertebrate species. In addition, the in silico prediction for this alteration is inconclusive. Based on the available evidence, the clinical significance of this variant remains unclear.

NM_007294.4(BRCA1):c.4708C>G (p.Leu1570Val)

Gene: BRCA1 (BRCA1 DNA repair associated; minus strand). Cytogenetic location: 17q21.31.
Variant type: single nucleotide variant.
Coding change: c.4708C>G on transcript NM_007294.4 (MANE Select); coding-DNA position 4708, C replaced by G.
Protein change: p.Leu1570Val; replaces leucine 1570 with valine.
Molecular consequence: missense variant. On other transcripts: intron variant (1).
Genome position (GRCh38, 1-based): chr17:43,071,206, G>C on the plus strand (C>G on the coding strand, the complement: BRCA1 is on the minus strand). VCF-style: chr17-43071206-G-C. GRCh37 (hg19) VCF-style: chr17-41223223-G-C.
Other names: c.1396C>G, p.Leu466Val (NM_001408472.1, NM_001407979.1, NM_001407980.1 and 12 more transcripts); c.1393C>G, p.Leu465Val (NM_001408473.1, NM_001408397.1, NM_001408398.1 and 8 more transcripts); c.1198C>G, p.Leu400Val (NM_001408474.1); c.1195C>G, p.Leu399Val (NM_001408475.1, NM_001408476.1); c.1186C>G, p.Leu396Val (NM_001408491.1, NM_001408481.1, NM_001408482.1 and 5 more transcripts); c.1183C>G, p.Leu395Val (NM_001408492.1, NM_001408493.1); c.1135C>G, p.Leu379Val (NM_001408497.1, NM_001408496.1, NM_001408498.1 and 3 more transcripts); c.1159C>G, p.Leu387Val (NM_001408494.1); and 71 more; short protein forms L1274V, L1401V, L1441V, L1442V, L1443V, L1480V, L1498V, L1500V.
Identifiers: ClinVar variation 4215059 (VCV004215059.1).